The following is an entry in ClinVar:

ClinVar aggregate classification (germline): Uncertain significance (1 of 4 stars; one submission).

Allele frequency attached by ClinVar (database versions not stated): gnomAD exomes below 0.00001; ExAC 0.00001.
gnomAD v4.1: 6 of 1,614,138 alleles (0.00037%); highest among the groups gnomAD compares: Non-Finnish European, 0.00042%; no homozygotes.

Submission:

Labcorp Genetics (formerly Invitae), Labcorp
Classification: Uncertain significance. Last evaluated: 2025-09-03. Review status: criteria provided, single submitter. Criteria: Invitae Variant Classification Sherloc (09022015). Collection method: clinical testing. Allele origin: germline.
Comment: This sequence change replaces phenylalanine, which is neutral and non-polar, with valine, which is neutral and non-polar, at codon 897 of the ADNP protein (p.Phe897Val). This variant is present in population databases (rs754083809, gnomAD 0.0009%). This variant has not been reported in the literature in individuals affected with ADNP-related conditions. ClinVar contains an entry for this variant (Variation ID: 2807562). An algorithm developed to predict the effect of missense changes on protein structure and function (PolyPhen-2) suggests that this variant is likely to be tolerated. In summary, the available evidence is currently insufficient to determine the role of this variant in disease. Therefore, it has been classified as a Variant of Uncertain Significance.

NM_001282531.3(ADNP):c.2689T>G (p.Phe897Val)

Gene: ADNP (activity dependent neuroprotector homeobox; minus strand). Cytogenetic location: 20q13.13.
Variant type: single nucleotide variant.
Coding change: c.2689T>G on transcript NM_001282531.3 (MANE Select); coding-DNA position 2689, T replaced by G.
Protein change: p.Phe897Val; replaces phenylalanine 897 with valine.
Molecular consequence: missense variant.
Genome position (GRCh38, 1-based): chr20:50,892,025, A>C on the plus strand (T>G on the coding strand, the complement: ADNP is on the minus strand). VCF-style: chr20-50892025-A-C. GRCh37 (hg19) VCF-style: chr20-49508562-A-C.
Other names: c.2689T>G, p.Phe897Val (NM_001282532.2, NM_001347511.2, NM_015339.5 and 1 more transcripts); short protein forms F897V.
Identifiers: ClinVar variation 2807562 (VCV002807562.3), dbSNP rs754083809, ClinGen allele CA9908542.